The following is an entry in ClinVar:

ClinVar aggregate classification (germline): Uncertain significance. Review status: criteria provided, multiple submitters, no conflicts (2 of 4 stars). 2 submissions from 2 submitters: Uncertain significance (2). Last evaluated 2022-12-28.

Conditions:
Inborn genetic diseases. Identifiers: MedGen C0950123, MeSH D030342.

gnomAD v4.1: 81 of 1,612,634 alleles (0.005%); highest among the groups gnomAD compares: Non-Finnish European, 0.0064%; no homozygotes.

Submissions (2):

Ambry Genetics
Classification: Uncertain significance for Inborn genetic diseases. Last evaluated: 2022-12-28. Review status: criteria provided, single submitter. Criteria: Ambry Variant Classification Scheme 2023. Collection method: clinical testing. Allele origin: germline.

Greenwood Genetic Center Diagnostic Laboratories, Greenwood Genetic Center
Classification: Uncertain significance. Last evaluated: 2022-01-20. Review status: criteria provided, single submitter. Criteria: ACMG Guidelines, 2015. Collection method: clinical testing. Allele origin: germline. Affected: yes.
Comment: PM2

NM_001519.4(BRF1):c.638G>A (p.Arg213Lys)

Gene: BRF1 (BRF1 general transcription factor IIIB subunit; minus strand). Cytogenetic location: 14q32.33.
Variant type: single nucleotide variant.
Coding change: c.638G>A on transcript NM_001519.4 (MANE Select); coding-DNA position 638, G replaced by A.
Protein change: p.Arg213Lys; replaces arginine 213 with lysine.
Molecular consequence: missense variant. On other transcripts: intron variant (1).
Genome position (GRCh38, 1-based): chr14:105,241,321, C>T on the plus strand (G>A on the coding strand, the complement: BRF1 is on the minus strand). VCF-style: chr14-105241321-C-T. GRCh37 (hg19) VCF-style: chr14-105707658-C-T.
Other names: c.638G>A (NM_001519.3); c.293G>A, p.Arg98Lys (NM_001242786.2, NM_001242787.2); c.557G>A, p.Arg186Lys (NM_001242788.2); c.26G>A, p.Arg9Lys (NM_145685.3); c.-21+7828G>A (NM_001242789.2); short protein forms R186K, R213K, R98K, R9K.
Identifiers: ClinVar variation 1676538 (VCV001676538.6), dbSNP rs368844889, ClinGen allele CA7387600.